The following is an entry in ClinVar:

ClinVar aggregate classification (germline): Uncertain significance. Review status: criteria provided, multiple submitters, no conflicts (2 of 4 stars). 3 submissions from 3 submitters: Uncertain significance (3). Last evaluated 2025-06-12.

Conditions:
Inborn genetic diseases. Identifiers: MedGen C0950123, MeSH D030342.

Allele frequency attached by ClinVar (database versions not stated): gnomAD exomes 0.00003; ESP Exome Variant Server 0.00008; ExAC 0.00011; TOPMed 0.00022; 1000 Genomes Project 0.00040; 1000 Genomes Project 30x 0.00047.
gnomAD v4.1: 99 of 1,613,996 alleles (0.0061%); highest among the groups gnomAD compares: East Asian, 0.076%; no homozygotes.

Submissions (3):

Labcorp Genetics (formerly Invitae), Labcorp
Classification: Uncertain significance. Last evaluated: 2025-06-12. Review status: criteria provided, single submitter. Criteria: Invitae Variant Classification Sherloc (09022015). Collection method: clinical testing. Allele origin: germline.
Comment: This sequence change replaces glutamic acid, which is acidic and polar, with lysine, which is basic and polar, at codon 4000 of the FAT1 protein (p.Glu4000Lys). This variant is present in population databases (rs373469759, gnomAD 0.1%). This missense change has been observed in individual(s) with seizure (PMID: 36941137). ClinVar contains an entry for this variant (Variation ID: 2054921). An algorithm developed to predict the effect of missense changes on protein structure and function (PolyPhen-2) suggests that this variant is likely to be tolerated. In summary, the available evidence is currently insufficient to determine the role of this variant in disease. Therefore, it has been classified as a Variant of Uncertain Significance.

GeneDx
Classification: Uncertain significance. Last evaluated: 2024-05-03. Review status: criteria provided, single submitter. Criteria: GeneDx Variant Classification Process June 2021. Collection method: clinical testing. Allele origin: germline. Affected: yes.
Comment: Reported with a second variant, phase unknown, in a patient from a large cohort of individuals with epilepsy in published literature (PMID: 36941137); In silico analysis indicates that this missense variant does not alter protein structure/function; This variant is associated with the following publications: (PMID: 36941137)

Ambry Genetics
Classification: Uncertain significance for Inborn genetic diseases. Last evaluated: 2024-02-21. Review status: criteria provided, single submitter. Criteria: Ambry Variant Classification Scheme 2023. Collection method: clinical testing. Allele origin: germline.

Literature cited by the submitters: PubMed 36941137 (cited by Labcorp Genetics (formerly Invitae), Labcorp).

NM_005245.4(FAT1):c.11998G>A (p.Glu4000Lys)

Gene: FAT1 (FAT atypical cadherin 1; minus strand). Cytogenetic location: 4q35.2.
Variant type: single nucleotide variant.
Coding change: c.11998G>A on transcript NM_005245.4 (MANE Select); coding-DNA position 11998, G replaced by A.
Protein change: p.Glu4000Lys; replaces glutamic acid 4000 with lysine.
Molecular consequence: missense variant.
Genome position (GRCh38, 1-based): chr4:186,600,003, C>T on the plus strand (G>A on the coding strand, the complement: FAT1 is on the minus strand). VCF-style: chr4-186600003-C-T. GRCh37 (hg19) VCF-style: chr4-187521157-C-T.
Other names: c.11998G>A (NM_005245.3); short protein forms E4000K.
Identifiers: ClinVar variation 2054921 (VCV002054921.4), dbSNP rs373469759, ClinGen allele CA3164977.
Genomic context (GRCh38, chr4:186,600,003, plus strand): 5'-TGCTGGCGCAGTCTTCCGTGGCCGTCAGGAAGCAGCCTGGAGATACATCCACCGACTCTT[C>T]GATGTGTGCATAGCTTCTGGGTTTGCTGTTTAAAGGGAGCTCCTGCCCATTCAAATAAAT-3'
Protein context (NP_005236.2, residues 3990-4010): NSKPRSYAHI[Glu4000Lys]ESVDVSPGCF